The following is an entry in ClinVar:

ClinVar aggregate classification (germline): Uncertain significance (3 of 4 stars; one submission).

Conditions:
Open-angle glaucoma. Identifiers: MedGen C0017612, MONDO:0005338, HP:0012108.

Allele frequency attached by ClinVar (database versions not stated): gnomAD exomes below 0.00001; TOPMed 0.00001.
gnomAD v4.1: 1 of 1,610,894 alleles (0.000062%); highest among the groups gnomAD compares: Non-Finnish European, 0.000085%; no homozygotes.

Submission:

ClinGen Glaucoma Variant Curation Expert Panel
Classification: Uncertain significance for Open-angle glaucoma. Last evaluated: 2025-11-12. Review status: reviewed by expert panel. Criteria: ClinGen Glaucoma ACMG Specifications V2.0.0 Approved. Collection method: curation. Allele origin: germline. Inheritance: Autosomal dominant inheritance.
Comment: The c.868A>G variant in MYOC is a missense variant predicted to cause substitution of Threonine by Alanine at amino acid 290 (p.Thr290Ala). The highest minor allele frequency of this variant was in the European (non-Finnish) genetic ancestry group of gnomAD (v4.1.0) = 0.0000008491 (1 allele out of 1,177,772), which met the ≤ 0.0001 threshold set for PM2_Supporting in a genetic ancestry group of at least 10,000 alleles. The REVEL score = 0.271, which is within the 0.184-0.290 range for BP4, suggesting that the variant does not impact MYOC function. There was no functional evidence predicting a damaging or benign impact of this variant on MYOC function. Only 1 proband with juvenile open angle glaucoma had been reported (PMID: 14971589), not meeting the ≥ 2 probands threshold required to meet PS4_Supporting. In summary, this variant met the criteria to receive a score of 0 and to be classified as a variant of uncertain significance (uncertain significance classification range -1 to 5, adapted from PMID: 32720330) for juvenile open angle glaucoma based on the ACMG/AMP criteria met, as specified by the ClinGen Glaucoma VCEP (v2.0.0, 5 Dec 2024): PM2_Supporting, BP4

NM_000261.2(MYOC):c.868A>G (p.Thr290Ala)

Gene: MYOC (myocilin; minus strand). Cytogenetic location: 1q24.3.
Variant type: single nucleotide variant.
Coding change: c.868A>G on transcript NM_000261.2 (MANE Select); coding-DNA position 868, A replaced by G.
Protein change: p.Thr290Ala; replaces threonine 290 with alanine.
Molecular consequence: missense variant.
Genome position (GRCh38, 1-based): chr1:171,636,572, T>C on the plus strand (A>G on the coding strand, the complement: MYOC is on the minus strand). VCF-style: chr1-171636572-T-C. GRCh37 (hg19) VCF-style: chr1-171605712-T-C.
Other names: NM_000261.2:c.868A>G; short protein forms T290A.
Identifiers: ClinVar variation 2429765 (VCV002429765.2), dbSNP rs1437593676, ClinGen allele CA343725757.